The following is an entry in ClinVar:

ClinVar aggregate classification (germline): Likely benign. Review status: criteria provided, multiple submitters, no conflicts (2 of 4 stars). 3 submissions from 3 submitters: Likely benign (3). Last evaluated 2025-09-01.

Allele frequency attached by ClinVar (database versions not stated): 1000 Genomes Project 30x 0.00016; 1000 Genomes Project 0.00020; ESP Exome Variant Server 0.00023.
gnomAD v4.1: 164 of 1,614,042 alleles (0.01%); highest among the groups gnomAD compares: East Asian, 0.02%; no homozygotes.

Submissions (3):

CeGaT Center for Human Genetics Tuebingen
Classification: Likely benign. Last evaluated: 2025-09-01. Review status: criteria provided, single submitter. Criteria: CeGaT Center For Human Genetics Tuebingen Variant Classification Criteria Version 2. Collection method: clinical testing. Allele origin: germline. Affected: yes. Observed: 2 variant alleles.
Comment: ARID1B: BP4, BP7

Labcorp Genetics (formerly Invitae), Labcorp
Classification: Likely benign. Last evaluated: 2025-06-27. Review status: criteria provided, single submitter. Criteria: Invitae Variant Classification Sherloc (09022015). Collection method: clinical testing. Allele origin: germline.

Blueprint Genetics
Classification: Likely benign. Last evaluated: 2024-09-18. Review status: criteria provided, single submitter. Criteria: ACMG Guidelines, 2015. Collection method: clinical testing. Allele origin: germline.

NM_001374828.1(ARID1B):c.4641G>A (p.Pro1547=)

Gene: ARID1B (AT-rich interaction domain 1B; plus strand). Cytogenetic location: 6q25.3.
Variant type: single nucleotide variant.
Coding change: c.4641G>A on transcript NM_001374828.1 (MANE Select); coding-DNA position 4641, G replaced by A.
Protein change: p.Pro1547=; no amino-acid change (proline 1547 retained).
Molecular consequence: synonymous variant.
Genome position (GRCh38, 1-based): chr6:157,200,866, G>A. VCF-style: chr6-157200866-G-A. GRCh37 (hg19) VCF-style: chr6-157522000-G-A.
Other names: c.4392G>A, p.Pro1464= (NM_001346813.1); c.2142G>A, p.Pro714= (NM_001363725.2); c.4521G>A, p.Pro1507= (NM_001371656.1, NM_001374820.1); c.4482G>A, p.Pro1494= (NM_017519.3); c.4272G>A, p.Pro1424= (NM_020732.3); c.4059G>A, p.Pro1353= (NM_175863.2).
Identifiers: ClinVar variation 2059661 (VCV002059661.29), dbSNP rs146625434, ClinGen allele CA4067676.